The following is an entry in ClinVar:

ClinVar aggregate classification (germline): Uncertain significance (1 of 4 stars; one submission).

Conditions:
Inborn genetic diseases. Identifiers: MedGen C0950123, MeSH D030342.

Submission:

Ambry Genetics
Classification: Uncertain significance for Inborn genetic diseases. Last evaluated: 2025-12-18. Review status: criteria provided, single submitter. Criteria: Ambry Variant Classification Scheme 2023. Collection method: clinical testing. Allele origin: germline.
Comment: The p.G542R variant (also known as c.1624G>C), located in coding exon 13 of the DNMT3A gene, results from a G to C substitution at nucleotide position 1624. The glycine at codon 542 is replaced by arginine, an amino acid with dissimilar properties. This amino acid position is conserved. In addition, this alteration is predicted to be deleterious by in silico analysis. Based on the available evidence, the clinical significance of this variant remains unclear.

NM_022552.5(DNMT3A):c.1624G>C (p.Gly542Arg)

Gene: DNMT3A (DNA methyltransferase 3 alpha; minus strand). Cytogenetic location: 2p23.3.
Variant type: single nucleotide variant.
Coding change: c.1624G>C on transcript NM_022552.5 (MANE Select); coding-DNA position 1624, G replaced by C.
Protein change: p.Gly542Arg; replaces glycine 542 with arginine.
Molecular consequence: missense variant. On other transcripts: non-coding transcript variant (1).
Genome position (GRCh38, 1-based): chr2:25,244,583, C>G on the plus strand (G>C on the coding strand, the complement: DNMT3A is on the minus strand). VCF-style: chr2-25244583-C-G. GRCh37 (hg19) VCF-style: chr2-25467452-C-G.
Other names: c.955G>C, p.Gly319Arg (NM_001375819.1); c.1057G>C, p.Gly353Arg (NM_153759.3); c.1624G>C, p.Gly542Arg (NM_175629.2); c.1168G>C, p.Gly390Arg (NM_001320893.1); short protein forms G319R, G542R, G353R, G390R.
Identifiers: ClinVar variation 4844019 (VCV004844019.1).